The following is an entry in ClinVar:

NM_001242896.3(DEPDC5):c.1445+6C>T

Gene: DEPDC5 (DEP domain containing 5, GATOR1 subcomplex subunit; plus strand). Cytogenetic location: 22q12.3.
Variant type: single nucleotide variant.
Coding change: c.1445+6C>T on transcript NM_001242896.3 (MANE Select); 6 bases into the intron after coding-DNA position 1445, C replaced by T.
Molecular consequence: intron variant.
Genome position (GRCh38, 1-based): chr22:31,810,647, C>T. VCF-style: chr22-31810647-C-T. GRCh37 (hg19) VCF-style: chr22-32206633-C-T.
Other names: c.1445+6C>T (NM_001364318.2, NM_001136029.4, NM_014662.6 and 7 more transcripts); c.1361+6C>T (NM_001369902.1, NM_001369901.1).
Identifiers: ClinVar variation 1007120 (VCV001007120.6), dbSNP rs1275802105, ClinGen allele CA639055849.

ClinVar aggregate classification (germline): Uncertain significance (1 of 4 stars; one submission).

Conditions:
Familial focal epilepsy with variable foci (FPEVF). Identifiers: Orphanet 98820, MedGen C1858477, MONDO:0020310.

Allele frequency attached by ClinVar (database versions not stated): gnomAD exomes below 0.00001; TOPMed 0.00001; gnomAD 0.00002.
gnomAD v4.1: 7 of 1,614,020 alleles (0.00043%); highest among the groups gnomAD compares: African/African-American, 0.0053%; no homozygotes.

Submission:

Labcorp Genetics (formerly Invitae), Labcorp
Classification: Uncertain significance for Familial focal epilepsy with variable foci. Last evaluated: 2025-08-29. Review status: criteria provided, single submitter. Criteria: Invitae Variant Classification Sherloc (09022015). Collection method: clinical testing. Allele origin: germline.
Comment: This sequence change falls in intron 20 of the DEPDC5 gene. It does not directly change the encoded amino acid sequence of the DEPDC5 protein. It affects a nucleotide within the consensus splice site. This variant is present in population databases (no rsID available, gnomAD 0.008%). This variant has not been reported in the literature in individuals affected with DEPDC5-related conditions. ClinVar contains an entry for this variant (Variation ID: 1007120). Variants that disrupt the consensus splice site are a relatively common cause of aberrant splicing (PMID: 17576681, 9536098). Algorithms developed to predict the effect of sequence changes on RNA splicing suggest that this variant is not likely to affect RNA splicing. In summary, the available evidence is currently insufficient to determine the role of this variant in disease. Therefore, it has been classified as a Variant of Uncertain Significance.

Literature cited by the submitters: PubMed 17576681; PubMed 9536098.